The following is an entry in ClinVar:

NM_020778.5(ALPK3):c.2502C>G (p.Ser834Arg)

Gene: ALPK3 (alpha kinase 3; plus strand). Cytogenetic location: 15q25.3.
Variant type: single nucleotide variant.
Coding change: c.2502C>G on transcript NM_020778.5 (MANE Select); coding-DNA position 2502, C replaced by G.
Protein change: p.Ser834Arg; replaces serine 834 with arginine.
Molecular consequence: missense variant.
Genome position (GRCh38, 1-based): chr15:84,857,240, C>G. VCF-style: chr15-84857240-C-G. GRCh37 (hg19) VCF-style: chr15-85400471-C-G.
Other names: short protein forms S834R.
Identifiers: ClinVar variation 4737890 (VCV004737890.1).

ClinVar aggregate classification (germline): Uncertain significance (1 of 4 stars; one submission).

Submission:

Labcorp Genetics (formerly Invitae), Labcorp
Classification: Uncertain significance. Last evaluated: 2025-03-20. Review status: criteria provided, single submitter. Criteria: Invitae Variant Classification Sherloc (09022015). Collection method: clinical testing. Allele origin: germline.
Comment: This sequence change replaces serine, which is neutral and polar, with arginine, which is basic and polar, at codon 1036 of the ALPK3 protein (p.Ser1036Arg). This variant is not present in population databases (gnomAD no frequency). This variant has not been reported in the literature in individuals affected with ALPK3-related conditions. Invitae Evidence Modeling of protein sequence and biophysical properties (such as structural, functional, and spatial information, amino acid conservation, physicochemical variation, residue mobility, and thermodynamic stability) indicates that this missense variant is not expected to disrupt ALPK3 protein function with a negative predictive value of 80%. In summary, the available evidence is currently insufficient to determine the role of this variant in disease. Therefore, it has been classified as a Variant of Uncertain Significance.